The following is an entry in ClinVar:

ClinVar aggregate classification (germline): Uncertain significance (1 of 4 stars; one submission).

Conditions:
PRPH2-related disorder. Also called: PRPH2-related disorders; PRPH2-related condition. Identifiers: MedGen CN239395.

Submission:

Labcorp Genetics (formerly Invitae), Labcorp
Classification: Uncertain significance for PRPH2-related disorder. Last evaluated: 2025-10-09. Review status: criteria provided, single submitter. Criteria: Invitae Variant Classification Sherloc (09022015). Collection method: clinical testing. Allele origin: germline.
Comment: This sequence change replaces leucine, which is neutral and non-polar, with glutamine, which is neutral and polar, at codon 205 of the PRPH2 protein (p.Leu205Gln). This variant is not present in population databases (gnomAD no frequency). This variant has not been reported in the literature in individuals affected with PRPH2-related conditions. Invitae Evidence Modeling of protein sequence and biophysical properties (such as structural, functional, and spatial information, amino acid conservation, physicochemical variation, residue mobility, and thermodynamic stability) has been performed for this missense variant. However, the output from this modeling did not meet the statistical confidence thresholds required to predict the impact of this variant on PRPH2 protein function. In summary, the available evidence is currently insufficient to determine the role of this variant in disease. Therefore, it has been classified as a Variant of Uncertain Significance.

NM_000322.5(PRPH2):c.614T>A (p.Leu205Gln)

Gene: PRPH2 (peripherin 2; minus strand). Cytogenetic location: 6p21.1.
Variant type: single nucleotide variant.
Coding change: c.614T>A on transcript NM_000322.5 (MANE Select); coding-DNA position 614, T replaced by A.
Protein change: p.Leu205Gln; replaces leucine 205 with glutamine.
Molecular consequence: missense variant.
Genome position (GRCh38, 1-based): chr6:42,704,579, A>T on the plus strand (T>A on the coding strand, the complement: PRPH2 is on the minus strand). VCF-style: chr6-42704579-A-T. GRCh37 (hg19) VCF-style: chr6-42672317-A-T.
Other names: short protein forms L205Q.
Identifiers: ClinVar variation 4806476 (VCV004806476.1).